The following is an entry in ClinVar:

ClinVar aggregate classification (germline): Uncertain significance (1 of 4 stars; one submission).

Submission:

GeneDx
Classification: Uncertain significance. Last evaluated: 2025-01-15. Review status: criteria provided, single submitter. Criteria: GeneDx Variant Classification Process June 2021. Collection method: clinical testing. Allele origin: germline. Affected: yes.
Comment: Not observed at significant frequency in large population cohorts (gnomAD); In silico analysis indicates that this variant does not alter protein structure/function; Has not been previously published as pathogenic or benign to our knowledge

NM_012448.4(STAT5B):c.560_563delinsCCCA (p.Gly187_Pro188delinsAlaGln)

Gene: STAT5B (signal transducer and activator of transcription 5B; minus strand). Cytogenetic location: 17q21.2.
Variant type: Indel.
Coding change: c.560_563delinsCCCA on transcript NM_012448.4 (MANE Select); coding-DNA positions 560 to 563, GCCC replaced by CCCA.
Protein change: p.Gly187_Pro188delinsAlaGln.
Molecular consequence: missense variant.
Genome position (GRCh38, 1-based): chr17:42,219,830-42,219,833, GGGC replaced by TGGG on the plus strand (GCCC replaced by CCCA on the coding strand, the reverse complement: STAT5B is on the minus strand). VCF-style: chr17-42219830-GGGC-TGGG. GRCh37 (hg19) VCF-style: chr17-40371848-GGGC-TGGG.
Other names: c.560_563delGCCCinsCCCA, p.Gly187_Pro188delinsAlaGln (NM_012448.3).
Identifiers: ClinVar variation 4070649 (VCV004070649.1).